The following is an entry in ClinVar:

NM_007254.4(PNKP):c.200T>G (p.Leu67Arg)

Gene: PNKP (polynucleotide kinase 3'-phosphatase; minus strand). Cytogenetic location: 19q13.33.
Variant type: single nucleotide variant.
Coding change: c.200T>G on transcript NM_007254.4 (MANE Select); coding-DNA position 200, T replaced by G.
Protein change: p.Leu67Arg; replaces leucine 67 with arginine.
Molecular consequence: missense variant.
Genome position (GRCh38, 1-based): chr19:49,865,425, A>C on the plus strand (T>G on the coding strand, the complement: PNKP is on the minus strand). VCF-style: chr19-49865425-A-C. GRCh37 (hg19) VCF-style: chr19-50368682-A-C.
Other names: short protein forms L67R.
Identifiers: ClinVar variation 935687 (VCV000935687.8), dbSNP rs747002499, ClinGen allele CA9586994.

ClinVar aggregate classification (germline): Uncertain significance (1 of 4 stars; one submission).

Conditions:
Developmental and epileptic encephalopathy, 12 (DEE12). Identifiers: MedGen C3150988, MONDO:0013389, OMIM 613722.

Allele frequency attached by ClinVar (database versions not stated): gnomAD exomes below 0.00001; TOPMed 0.00001; ExAC 0.00002.

Submission:

Labcorp Genetics (formerly Invitae), Labcorp
Classification: Uncertain significance for Developmental and epileptic encephalopathy, 12. Last evaluated: 2024-01-10. Review status: criteria provided, single submitter. Criteria: Invitae Variant Classification Sherloc (09022015). Collection method: clinical testing. Allele origin: germline.
Comment: This sequence change replaces leucine, which is neutral and non-polar, with arginine, which is basic and polar, at codon 67 of the PNKP protein (p.Leu67Arg). This variant is present in population databases (rs747002499, gnomAD 0.001%). This variant has not been reported in the literature in individuals affected with PNKP-related conditions. ClinVar contains an entry for this variant (Variation ID: 935687). An algorithm developed to predict the effect of missense changes on protein structure and function (PolyPhen-2) suggests that this variant¬†is likely to be tolerated. In summary, the available evidence is currently insufficient to determine the role of this variant in disease. Therefore, it has been classified as a Variant of Uncertain Significance.